The following is an entry in ClinVar:

NM_001277115.2(DNAH11):c.13050G>T (p.Trp4350Cys)

Genes: DNAH11 (dynein axonemal heavy chain 11; plus strand), LOC126859962 (BRD4-independent group 4 enhancer GRCh37_chr7:21937780-21938979; plus strand). Cytogenetic location: 7p15.3.
Variant type: single nucleotide variant.
Coding change: c.13050G>T on transcript NM_001277115.2 (MANE Select); coding-DNA position 13050, G replaced by T.
Protein change: p.Trp4350Cys; replaces tryptophan 4350 with cysteine.
Molecular consequence: missense variant.
Genome position (GRCh38, 1-based): chr7:21,899,336, G>T. VCF-style: chr7-21899336-G-T. GRCh37 (hg19) VCF-style: chr7-21938954-G-T.
Other names: short protein forms W4350C.
Identifiers: ClinVar variation 4983922 (VCV004983922.1).

ClinVar aggregate classification (germline): Uncertain significance (1 of 4 stars; one submission).

Conditions:
DNAH11-related disorder. Also called: DNAH11-related condition.

gnomAD v4.1: 6 of 1,613,684 alleles (0.00037%); highest among the groups gnomAD compares: Non-Finnish European, 0.00042%; no homozygotes.

Submission:

PreventionGenetics, part of Exact Sciences
Classification: Uncertain significance for DNAH11-related condition. Last evaluated: 2026-09-18. Review status: criteria provided, single submitter. Criteria: ACMG Guidelines, 2015. Collection method: clinical testing. Allele origin: germline.
Comment: The DNAH11 c.13050G>T variant is predicted to result in the amino acid substitution p.Trp4350Cys. To our knowledge, this variant has not been reported in the literature or in a large population database (gnomAD), indicating this variant is rare. At this time, the clinical significance of this variant is uncertain due to the absence of conclusive functional and genetic evidence.